The following is an entry in ClinVar:

ClinVar aggregate classification (germline): Likely pathogenic. Review status: criteria provided, multiple submitters, no conflicts (2 of 4 stars). 2 submissions from 2 submitters: Likely pathogenic (2). Last evaluated 2024-02-14.

Conditions:
Split hand-foot malformation 4. Also called: Split-Hand/Foot Malformation Type 4 (SHFM4); Split-Hand/Foot Malformation Type 4 (SHFM4 syndrome). Identifiers: Orphanet 2440, MedGen C1854442, MONDO:0011535, OMIM 605289.
TP63-Related Spectrum Disorders.

Submissions (2):

Labcorp Genetics (formerly Invitae), Labcorp
Classification: Likely pathogenic. Last evaluated: 2024-02-14. Review status: criteria provided, single submitter. Criteria: Invitae Variant Classification Sherloc (09022015). Collection method: clinical testing. Allele origin: germline.
Comment: This sequence change replaces alanine, which is neutral and non-polar, with glutamic acid, which is acidic and polar, at codon 354 of the TP63 protein (p.Ala354Glu). This variant is not present in population databases (gnomAD no frequency). This missense change has been observed in individual(s) with TP63-related conditions (PMID: 17224651; Invitae). This variant is also known as A315E. ClinVar contains an entry for this variant (Variation ID: 846332). Advanced modeling of protein sequence and biophysical properties (such as structural, functional, and spatial information, amino acid conservation, physicochemical variation, residue mobility, and thermodynamic stability) performed at Invitae indicates that this missense variant is expected to disrupt TP63 protein function with a positive predictive value of 80%. In summary, the currently available evidence indicates that the variant is pathogenic, but additional data are needed to prove that conclusively. Therefore, this variant has been classified as Likely Pathogenic.

MGZ Medical Genetics Center
Classification: Likely pathogenic for Split hand-foot malformation 4. Last evaluated: 2022-05-09. Review status: criteria provided, single submitter. Criteria: ACMG Guidelines, 2015. Collection method: clinical testing. Allele origin: germline. Affected: yes. Observed: 2 variant alleles.
Comment: ACMG criteria applied: PM1, PS4_SUP, PM2_SUP, PP3, PP4

Literature cited by the submitters: PubMed 17224651 (cited by Labcorp Genetics (formerly Invitae), Labcorp).

NM_003722.5(TP63):c.1061C>A (p.Ala354Glu)

Gene: TP63 (tumor protein p63; plus strand). Cytogenetic location: 3q28.
Variant type: single nucleotide variant.
Coding change: c.1061C>A on transcript NM_003722.5 (MANE Select); coding-DNA position 1061, C replaced by A.
Protein change: p.Ala354Glu; replaces alanine 354 with glutamic acid.
Molecular consequence: missense variant.
Genome position (GRCh38, 1-based): chr3:189,868,648, C>A. VCF-style: chr3-189868648-C-A. GRCh37 (hg19) VCF-style: chr3-189586437-C-A.
Other names: c.1061C>A, p.Ala354Glu (NM_001114978.2, NM_001114979.2, NM_001329144.2 and 1 more transcripts); c.779C>A, p.Ala260Glu (NM_001114980.2, NM_001114981.2, NM_001114982.2 and 2 more transcripts); c.524C>A, p.Ala175Glu (NM_001329146.2, NM_001329150.2); c.1055C>A, p.Ala352Glu (NM_001329964.2); short protein forms A352E, A354E, A175E, A260E.
Identifiers: ClinVar variation 846332 (VCV000846332.6), dbSNP rs1718026198, ClinGen allele CA355755228.